The following is an entry in ClinVar:

NM_006886.4(ATP5F1E):c.32+304T>C

Genes: ATP5F1E (ATP synthase F1 subunit epsilon; minus strand), SLMO2-ATP5E (SLMO2-ATP5E readthrough; minus strand). Cytogenetic location: 20q13.32.
Variant type: single nucleotide variant.
Coding change: c.32+304T>C on transcript NM_006886.4 (MANE Select); 304 bases into the intron after coding-DNA position 32, T replaced by C.
Molecular consequence: intron variant.
Genome position (GRCh38, 1-based): chr20:59,031,916, A>G on the plus strand (T>C on the coding strand, the complement: ATP5F1E is on the minus strand). VCF-style: chr20-59031916-A-G. GRCh37 (hg19) VCF-style: chr20-57606971-A-G.
Identifiers: ClinVar variation 683340 (VCV000683340.2), dbSNP rs151354, ClinGen allele CA14763210.

ClinVar aggregate classification (germline): Benign. Review status: criteria provided, multiple submitters, no conflicts (2 of 4 stars). 2 submissions from 2 submitters: Benign (2). Last evaluated 2018-06-14.

Allele frequency attached by ClinVar (database versions not stated): 1000 Genomes Project 0.20567; 1000 Genomes Project 30x 0.20612; TOPMed 0.22472; gnomAD 0.23604 and 0.23884.
gnomAD v4.1: 35,788 of 152,236 alleles (24%); highest among the groups gnomAD compares: African/African-American, 26%; 4,344 homozygotes.

Submissions (2):

GeneDx
Classification: Benign. Last evaluated: 2018-06-14. Review status: criteria provided, single submitter. Criteria: GeneDx Variant Classification (06012015). Collection method: clinical testing. Allele origin: germline. Affected: yes.
Comment: This variant is considered likely benign or benign based on one or more of the following criteria: it is a conservative change, it occurs at a poorly conserved position in the protein, it is predicted to be benign by multiple in silico algorithms, and/or has population frequency not consistent with disease.

Breakthrough Genomics
Classification: Benign. Review status: criteria provided, single submitter. Criteria: ACMG Guidelines, 2015. Collection method: not provided. Allele origin: germline. Inheritance: Autosomal recessive inheritance. Affected: yes.